The following is an entry in ClinVar:

NM_020937.4(FANCM):c.19A>T (p.Thr7Ser)

Gene: FANCM (FA complementation group M; plus strand). Cytogenetic location: 14q21.2.
Variant type: single nucleotide variant.
Coding change: c.19A>T on transcript NM_020937.4 (MANE Select); coding-DNA position 19, A replaced by T.
Protein change: p.Thr7Ser; replaces threonine 7 with serine.
Molecular consequence: missense variant.
Genome position (GRCh38, 1-based): chr14:45,136,050, A>T. VCF-style: chr14-45136050-A-T. GRCh37 (hg19) VCF-style: chr14-45605253-A-T.
Other names: c.19A>T, p.Thr7Ser (NM_001308133.2, NM_001308134.2); short protein forms T7S.
Identifiers: ClinVar variation 4022585 (VCV004022585.1).
Genomic context (GRCh38, chr14:45,136,050, plus strand): 5'-GCTACGGATATCTGACAGAAGCCTTCGGTGGTTGTCGGCCTAATGAGCGGACGGCAAAGA[A>T]CGCTTTTTCAGACGTGGGGCTCAAGTATCTCCCGATCATCTGGGACTCCGGGTTGCAGCT-3'
Protein context (NP_065988.1, residues 1-17): MSGRQR[Thr7Ser]LFQTWGSSIS

ClinVar aggregate classification (germline): Uncertain significance (1 of 4 stars; one submission).

Conditions:
Inborn genetic diseases. Identifiers: MedGen C0950123, MeSH D030342.

Submission:

Ambry Genetics
Classification: Uncertain significance for Inborn genetic diseases. Last evaluated: 2025-03-17. Review status: criteria provided, single submitter. Criteria: Ambry Variant Classification Scheme 2023. Collection method: clinical testing. Allele origin: germline.
Comment: The p.T7S variant (also known as c.19A>T), located in coding exon 1 of the FANCM gene, results from an A to T substitution at nucleotide position 19. The threonine at codon 7 is replaced by serine, an amino acid with similar properties. This amino acid position is conserved. In addition, this alteration is predicted to be tolerated by in silico analysis. Based on the available evidence, the clinical significance of this variant remains unclear.